The following is an entry in ClinVar:

ClinVar aggregate classification (germline): Conflicting classifications of pathogenicity. Review status: criteria provided, conflicting classifications (1 of 4 stars). 3 submissions from 3 submitters: Uncertain significance (2); Likely benign (1). Last evaluated 2025-10-01.

Conditions:
Norman-Roberts syndrome (LIS2). Also called: Lissencephaly 2 (Norman-Roberts type). Identifiers: Orphanet 89844, MedGen C0796089, MONDO:0009760, OMIM 257320.
Familial temporal lobe epilepsy 7. Identifiers: Orphanet 101046, MedGen C4225327, MONDO:0014639, OMIM 616436.

Allele frequency attached by ClinVar (database versions not stated): ExAC 0.00005; gnomAD 0.00005 and 0.00004; gnomAD exomes 0.00007; TOPMed 0.00004.
gnomAD v4.1: 100 of 1,613,860 alleles (0.0062%); highest among the groups gnomAD compares: South Asian, 0.016%; no homozygotes.

Submissions (3):

CeGaT Center for Human Genetics Tuebingen
Classification: Uncertain significance. Last evaluated: 2025-10-01. Review status: criteria provided, single submitter. Criteria: CeGaT Center For Human Genetics Tuebingen Variant Classification Criteria Version 2. Collection method: clinical testing. Allele origin: germline. Affected: yes. Observed: 1 variant allele.
Comment: RELN: PM2

Labcorp Genetics (formerly Invitae), Labcorp
Classification: Likely benign for Familial temporal lobe epilepsy 7; Norman-Roberts syndrome. Last evaluated: 2025-02-10. Review status: criteria provided, single submitter. Criteria: Invitae Variant Classification Sherloc (09022015). Collection method: clinical testing. Allele origin: germline.

GeneDx
Classification: Uncertain significance. Last evaluated: 2024-01-24. Review status: criteria provided, single submitter. Criteria: GeneDx Variant Classification Process June 2021. Collection method: clinical testing. Allele origin: germline. Affected: yes.
Comment: In silico analysis supports that this missense variant does not alter protein structure/function; Has not been previously published as pathogenic or benign in association with RELN-related disorder to our knowledge; This variant is associated with the following publications: (PMID: 33004838)

NM_005045.4(RELN):c.490C>T (p.Arg164Trp)

Gene: RELN (reelin; minus strand). Cytogenetic location: 7q22.1.
Variant type: single nucleotide variant.
Coding change: c.490C>T on transcript NM_005045.4 (MANE Select); coding-DNA position 490, C replaced by T.
Protein change: p.Arg164Trp; replaces arginine 164 with tryptophan.
Molecular consequence: missense variant.
Genome position (GRCh38, 1-based): chr7:103,776,611, G>A on the plus strand (C>T on the coding strand, the complement: RELN is on the minus strand). VCF-style: chr7-103776611-G-A. GRCh37 (hg19) VCF-style: chr7-103417058-G-A.
Other names: c.490C>T, p.Arg164Trp (NM_173054.3); short protein forms R164W.
Identifiers: ClinVar variation 475968 (VCV000475968.17), dbSNP rs776886354, ClinGen allele CA4422568.